The following is an entry in ClinVar:

NM_001374736.1(DST):c.21864+14_21864+16del

Gene: DST (dystonin; minus strand). Cytogenetic location: 6p12.1.
Variant type: Deletion.
Coding change: c.21864+14_21864+16del on transcript NM_001374736.1 (MANE Select); bases 14 to 16 of the intron after coding-DNA position 21864, 3 bases deleted (AAT; older notation c.21864+14_21864+16delAAT).
Molecular consequence: intron variant.
Genome position (GRCh38, 1-based): chr6:56,476,133-56,476,135, ATT deleted on the plus strand (AAT on the coding strand, the reverse complement: DST is on the minus strand); deleting any 3 consecutive bases within chr6:56,476,133-56,476,137 gives the same sequence; the c. name uses the placement nearest the transcript's 3' end. VCF-style (leftmost placement, unchanged base first): chr6-56476132-GATT-G. GRCh37 (hg19) VCF-style: chr6-56340930-GATT-G.
Other names: c.15507+14_15507+16del (NM_001144769.5); c.21864+14_21864+16del (NM_001374722.1); c.21891+14_21891+16del (NM_001374734.1); c.15093+14_15093+16del (NM_001144770.2); c.14646+14_14646+16del (NM_001374730.1); c.14973+14_14973+16del (NM_001386100.1, NM_183380.4); c.20904+14_20904+16del (NM_001374729.1); c.13995+14_13995+16del (NM_015548.5).
Identifiers: ClinVar variation 2029743 (VCV002029743.4), dbSNP rs2095179736, ClinGen allele CA1089305027.

ClinVar aggregate classification (germline): Uncertain significance (1 of 4 stars; one submission).

Conditions:
Epidermolysis bullosa simplex 3, localized or generalized intermediate, with BP230 deficiency (EBS3). Also called: Epidermolysis bullosa simplex due to BP230 deficiency; Epidermolysis bullosa simplex, autosomal recessive 2. Identifiers: Orphanet 412181, MedGen C3809470, MONDO:0014180, OMIM 615425.
Hereditary sensory and autonomic neuropathy type 6. Also called: HSAN VI; Neuropathy, hereditary sensory and autonomic, type VI. Identifiers: Orphanet 314381, MedGen C3539003, MONDO:0013839, OMIM 614653.

Submission:

Labcorp Genetics (formerly Invitae), Labcorp
Classification: Uncertain significance for Epidermolysis bullosa simplex 3, localized or generalized intermediate, with BP230 deficiency; Hereditary sensory and autonomic neuropathy type 6. Last evaluated: 2022-07-06. Review status: criteria provided, single submitter. Criteria: Invitae Variant Classification Sherloc (09022015). Collection method: clinical testing. Allele origin: germline.
Comment: In summary, the available evidence is currently insufficient to determine the role of this variant in disease. Therefore, it has been classified as a Variant of Uncertain Significance. The DST gene has multiple clinically relevant transcripts. This variant occurs in alternate transcript NM_015548.4, and corresponds to NM_001723.5:c.*139382_*139384del in the primary transcript. This sequence change falls in intron 73 of the DST gene. It does not directly change the encoded amino acid sequence of the DST protein. This variant is not present in population databases (gnomAD no frequency). This variant has not been reported in the literature in individuals affected with DST-related conditions. Experimental studies and prediction algorithms are not available or were not evaluated, and the effect of this variant on mRNA splicing is currently unknown.